The following is an entry in ClinVar:

ClinVar aggregate classification (germline): Uncertain significance. Review status: criteria provided, multiple submitters, no conflicts (2 of 4 stars). 6 submissions from 6 submitters: Uncertain significance (6). Last evaluated 2025-08-13.

Conditions:
Cardiovascular phenotype. Identifiers: MedGen CN230736.
Dilated cardiomyopathy 1KK (CMD1KK). Identifiers: Orphanet 154, Orphanet 75249, MedGen C3714995, MONDO:0014100, OMIM 615248.
MYPN-related myopathy (CMYO24). Also called: Nemaline myopathy 11, autosomal recessive. Identifiers: MedGen C4479186, MONDO:0015023, OMIM 617336.

gnomAD v4.1: 5 of 1,614,150 alleles (0.00031%); highest among the groups gnomAD compares: Non-Finnish European, 0.00042%; no homozygotes.

Submissions (6):

Labcorp Genetics (formerly Invitae), Labcorp
Classification: Uncertain significance for Dilated cardiomyopathy 1KK. Last evaluated: 2025-08-13. Review status: criteria provided, single submitter. Criteria: Invitae Variant Classification Sherloc (09022015). Collection method: clinical testing. Allele origin: germline.
Comment: This sequence change replaces serine, which is neutral and polar, with phenylalanine, which is neutral and non-polar, at codon 1300 of the MYPN protein (p.Ser1300Phe). This variant is not present in population databases (gnomAD no frequency). This variant has not been reported in the literature in individuals affected with MYPN-related conditions. ClinVar contains an entry for this variant (Variation ID: 580167). An algorithm developed to predict the effect of missense changes on protein structure and function (PolyPhen-2) suggests that this variant is likely to be disruptive. In summary, the available evidence is currently insufficient to determine the role of this variant in disease. Therefore, it has been classified as a Variant of Uncertain Significance.

Ambry Genetics
Classification: Uncertain significance for Cardiovascular phenotype. Last evaluated: 2024-07-24. Review status: criteria provided, single submitter. Criteria: Ambry Variant Classification Scheme 2023. Collection method: clinical testing. Allele origin: germline.
Comment: The p.S1300F variant (also known as c.3899C>T), located in coding exon 19 of the MYPN gene, results from a C to T substitution at nucleotide position 3899. The serine at codon 1300 is replaced by phenylalanine, an amino acid with highly dissimilar properties. This amino acid position is conserved. In addition, this alteration is predicted to be tolerated by in silico analysis. Based on the available evidence, the clinical significance of this variant remains unclear.

Women's Health and Genetics/Laboratory Corporation of America, LabCorp
Classification: Uncertain significance. Last evaluated: 2024-07-23. Review status: criteria provided, single submitter. Criteria: LabCorp Variant Classification Summary - May 2015. Collection method: clinical testing. Allele origin: germline.
Comment: Variant summary: MYPN c.3899C>T (p.Ser1300Phe) results in a non-conservative amino acid change in the encoded protein sequence. Four of five in-silico tools predict a damaging effect of the variant on protein function. The variant was absent in 251446 control chromosomes. The available data on variant occurrences in the general population are insufficient to allow any conclusion about variant significance. To our knowledge, no occurrence of c.3899C>T in individuals affected with Cardiomyopathy and no experimental evidence demonstrating its impact on protein function have been reported. ClinVar contains an entry for this variant (Variation ID: 580167). Based on the evidence outlined above, the variant was classified as uncertain significance.

Mayo Clinic Laboratories, Mayo Clinic
Classification: Uncertain significance. Last evaluated: 2023-09-29. Review status: criteria provided, single submitter. Criteria: ACMG Guidelines, 2015. Collection method: clinical testing. Allele origin: germline. Observed: 1 variant allele.
Comment: BP4, PM2_moderate

GeneDx
Classification: Uncertain significance. Last evaluated: 2022-03-23. Review status: criteria provided, single submitter. Criteria: GeneDx Variant Classification Process June 2021. Collection method: clinical testing. Allele origin: germline. Affected: yes.
Comment: Has not been previously published as pathogenic or benign to our knowledge; Not observed at significant frequency in large population cohorts (gnomAD); In silico analysis supports that this missense variant does not alter protein structure/function

Fulgent Genetics
Classification: Uncertain significance for Dilated cardiomyopathy 1KK; MYPN-related myopathy. Last evaluated: 2021-07-27. Review status: criteria provided, single submitter. Criteria: ACMG Guidelines, 2015. Collection method: clinical testing. Allele origin: unknown.

NM_032578.4(MYPN):c.3899C>T (p.Ser1300Phe)

Gene: MYPN (myopalladin; plus strand). Cytogenetic location: 10q21.3.
Variant type: single nucleotide variant.
Coding change: c.3899C>T on transcript NM_032578.4 (MANE Select); coding-DNA position 3899, C replaced by T.
Protein change: p.Ser1300Phe; replaces serine 1300 with phenylalanine.
Molecular consequence: missense variant. On other transcripts: non-coding transcript variant (2).
Genome position (GRCh38, 1-based): chr10:68,210,391, C>T. VCF-style: chr10-68210391-C-T. GRCh37 (hg19) VCF-style: chr10-69970148-C-T.
Other names: p.Ser1300Phe; c.3899C>T, p.Ser1300Phe (NM_001256267.2); c.3017C>T, p.Ser1006Phe (NM_001256268.2); c.3899C>T (NM_032578.2); short protein forms S1300F, S1006F.
Identifiers: ClinVar variation 580167 (VCV000580167.10), dbSNP rs1564704607, ClinGen allele CA376830232.